The following is an entry in ClinVar:

ClinVar aggregate classification (germline): Benign/Likely benign. Review status: criteria provided, multiple submitters, no conflicts (2 of 4 stars). 2 submissions from 2 submitters: Benign (1); Likely benign (1). Last evaluated 2026-05-01.

Allele frequency attached by ClinVar (database versions not stated): TOPMed 0.00003; gnomAD 0.00004; gnomAD exomes 0.00004 and 0.00008; ESP Exome Variant Server 0.00008; ExAC 0.00012.
gnomAD v4.1: 75 of 1,613,356 alleles (0.0046%); highest among the groups gnomAD compares: Middle Eastern, 0.099%; 1 homozygote.

Submissions (2):

CeGaT Center for Human Genetics Tuebingen
Classification: Likely benign. Last evaluated: 2026-05-01. Review status: criteria provided, single submitter. Criteria: CeGaT Center For Human Genetics Tuebingen Variant Classification Criteria Version 2. Collection method: clinical testing. Allele origin: germline. Affected: yes. Observed: 2 variant alleles.
Comment: SON: BP4, BP7

Labcorp Genetics (formerly Invitae), Labcorp
Classification: Benign. Last evaluated: 2024-11-11. Review status: criteria provided, single submitter. Criteria: Invitae Variant Classification Sherloc (09022015). Collection method: clinical testing. Allele origin: germline.

NM_138927.4(SON):c.4878T>C (p.Tyr1626=)

Gene: SON (SON DNA and RNA binding protein; plus strand). Cytogenetic location: 21q22.11.
Variant type: single nucleotide variant.
Coding change: c.4878T>C on transcript NM_138927.4 (MANE Select); coding-DNA position 4878, T replaced by C.
Protein change: p.Tyr1626=; no amino-acid change (tyrosine 1626 retained).
Molecular consequence: synonymous variant. On other transcripts: non-coding transcript variant (1), intron variant (1).
Genome position (GRCh38, 1-based): chr21:33,554,109, T>C. VCF-style: chr21-33554109-T-C. GRCh37 (hg19) VCF-style: chr21-34926415-T-C.
Other names: c.4878T>C, p.Tyr1626= (NM_001291411.2, NM_032195.3); c.245-3047T>C (NM_001291412.3).
Identifiers: ClinVar variation 1597223 (VCV001597223.30), dbSNP rs367641702, ClinGen allele CA10009616.
Genomic context (GRCh38, chr21:33,554,109, plus strand): 5'-AGGAACTAGTAAGGGTATTGAATTTACCACAGCATCTACTCTCAGTTTAGTTAATAAATA[T>C]GATGTTGATTTATCTTTAACTACTCAAGATACTGAACATGACATGGTAATTTCCACCAGT-3'
Protein context (NP_620305.3, residues 1616-1636): TASTLSLVNK[Tyr1626=]DVDLSLTTQD